The following is an entry in ClinVar:

NM_152594.3(SPRED1):c.89G>C (p.Gly30Ala)

Gene: SPRED1 (sprouty related EVH1 domain containing 1; plus strand). Cytogenetic location: 15q14.
Variant type: single nucleotide variant.
Coding change: c.89G>C on transcript NM_152594.3 (MANE Select); coding-DNA position 89, G replaced by C.
Protein change: p.Gly30Ala; replaces glycine 30 with alanine.
Molecular consequence: missense variant.
Genome position (GRCh38, 1-based): chr15:38,299,429, G>C. VCF-style: chr15-38299429-G-C. GRCh37 (hg19) VCF-style: chr15-38591630-G-C.
Other names: short protein forms G30A.
Identifiers: ClinVar variation 4615039 (VCV004615039.1).

ClinVar aggregate classification (germline): Uncertain significance (1 of 4 stars; one submission).

Conditions:
Cardiovascular phenotype. Identifiers: MedGen CN230736.

Submission:

Ambry Genetics
Classification: Uncertain significance for Cardiovascular phenotype. Last evaluated: 2025-11-24. Review status: criteria provided, single submitter. Criteria: Ambry Variant Classification Scheme 2023. Collection method: clinical testing. Allele origin: germline.
Comment: The p.G30A variant (also known as c.89G>C), located in coding exon 2 of the SPRED1 gene, results from a G to C substitution at nucleotide position 89. The glycine at codon 30 is replaced by alanine, an amino acid with similar properties. This amino acid position is conserved. In addition, the in silico prediction for this alteration is inconclusive. Based on the available evidence, the clinical significance of this variant remains unclear.